The following is an entry in ClinVar:

NM_152468.5(TMC8):c.149+4G>T

Genes: TMC6 (transmembrane channel like 6; minus strand), TMC8 (transmembrane channel like 8; plus strand), LOC130061792 (ATAC-STARR-seq lymphoblastoid silent region 9043; plus strand). Cytogenetic location: 17q25.3.
Variant type: single nucleotide variant.
Coding change: c.149+4G>T on transcript NM_152468.5 (MANE Select); 4 bases into the intron after coding-DNA position 149, G replaced by T.
Molecular consequence: intron variant.
Genome position (GRCh38, 1-based): chr17:78,131,741, G>T. VCF-style: chr17-78131741-G-T. GRCh37 (hg19) VCF-style: chr17-76127822-G-T.
Other names: c.-75+600C>A (NM_007267.7).
Identifiers: ClinVar variation 626188 (VCV000626188.6), dbSNP rs200226247, ClinGen allele CA8796344.

ClinVar aggregate classification (germline): Uncertain significance. Review status: criteria provided, multiple submitters, no conflicts (2 of 4 stars). 3 submissions from 2 submitters: Uncertain significance (3). Last evaluated 2022-09-19.

Conditions:
Epidermodysplasia verruciformis, susceptibility to, 2. Also called: Epidermodysplasia verruciformis 2. Identifiers: MedGen C4722258, MONDO:0032614, OMIM 618231.
Epidermodysplasia verruciformis. Identifiers: Orphanet 302, MedGen C0014522, MONDO:0009176.
Epidermodysplasia verruciformis, susceptibility to, 1. Identifiers: Orphanet 302, MedGen C4722564, MONDO:0100045, OMIM 226400.

Allele frequency attached by ClinVar (database versions not stated): gnomAD exomes 0.00006 and 0.00023; ESP Exome Variant Server 0.00016; 1000 Genomes Project 30x 0.00016; 1000 Genomes Project 0.00020; ExAC 0.00007; gnomAD 0.00009; TOPMed 0.00008.
gnomAD v4.1: 333 of 1,579,310 alleles (0.021%); highest among the groups gnomAD compares: Non-Finnish European, 0.027%; no homozygotes.

Submissions (3):

Labcorp Genetics (formerly Invitae), Labcorp
Classification: Uncertain significance for Epidermodysplasia verruciformis. Last evaluated: 2022-09-19. Review status: criteria provided, single submitter. Criteria: Invitae Variant Classification Sherloc (09022015). Collection method: clinical testing. Allele origin: germline.
Comment: This sequence change falls in intron 2 of the TMC8 gene. It does not directly change the encoded amino acid sequence of the TMC8 protein. It affects a nucleotide within the consensus splice site. This variant is present in population databases (rs200226247, gnomAD 0.009%). This variant has not been reported in the literature in individuals affected with TMC8-related conditions. ClinVar contains an entry for this variant (Variation ID: 626188). Variants that disrupt the consensus splice site are a relatively common cause of aberrant splicing (PMID: 17576681, 9536098). Algorithms developed to predict the effect of sequence changes on RNA splicing suggest that this variant may create or strengthen a splice site. In summary, the available evidence is currently insufficient to determine the role of this variant in disease. Therefore, it has been classified as a Variant of Uncertain Significance.

Center for Genomics, Ann and Robert H. Lurie Children's Hospital of Chicago
Classification: Uncertain significance for Epidermodysplasia verruciformis, susceptibility to, 2. Last evaluated: 2021-03-30. Review status: criteria provided, single submitter. Criteria: ACMG Guidelines, 2015. Collection method: clinical testing. Allele origin: germline.
Comment: TMC8 NM_152468.4 exon 2 c.149+4G>T: This variant has not been reported in the literature but is present in 8/88372 European alleles in the Genome Aggregation Database. Evolutionary conservation and computational predictive tools for this variant are limited or unavailable. Although this variant occurs in the splice region, computational prediction tools do not suggest that it may alter splicing. However, further studies are needed to understand its impact. In summary, data on this variant is insufficient for disease classification. Therefore, the clinical significance of this variant is uncertain.

Center for Genomics, Ann and Robert H. Lurie Children's Hospital of Chicago
Classification: Uncertain significance for Epidermodysplasia verruciformis, susceptibility to, 1. Last evaluated: 2018-03-01. Review status: criteria provided, single submitter. Criteria: ACMG Guidelines, 2015. Collection method: clinical testing. Allele origin: germline.
Comment: the same text as in the submission from Center for Genomics, Ann and Robert H. Lurie Children's Hospital of Chicago above.

Literature cited by the submitters: PubMed 17576681 (cited by Labcorp Genetics (formerly Invitae), Labcorp); PubMed 9536098 (cited by Labcorp Genetics (formerly Invitae), Labcorp).